The following is an entry in ClinVar:

NM_019098.5(CNGB3):c.115C>A (p.Gln39Lys)

Gene: CNGB3 (cyclic nucleotide gated channel subunit beta 3; minus strand). Cytogenetic location: 8q21.3.
Variant type: single nucleotide variant.
Coding change: c.115C>A on transcript NM_019098.5 (MANE Select); coding-DNA position 115, C replaced by A.
Protein change: p.Gln39Lys; replaces glutamine 39 with lysine.
Molecular consequence: missense variant.
Genome position (GRCh38, 1-based): chr8:86,743,513, G>T on the plus strand (C>A on the coding strand, the complement: CNGB3 is on the minus strand). VCF-style: chr8-86743513-G-T. GRCh37 (hg19) VCF-style: chr8-87755741-G-T.
Other names: short protein forms Q39K.
Identifiers: ClinVar variation 965098 (VCV000965098.6), dbSNP rs375530321, ClinGen allele CA4800532.

ClinVar aggregate classification (germline): Uncertain significance. Review status: criteria provided, multiple submitters, no conflicts (2 of 4 stars). 4 submissions from 4 submitters: Uncertain significance (3). 1 of the submissions does not count toward it. Last evaluated 2024-10-29.

Conditions:
Inborn genetic diseases. Identifiers: MedGen C0950123, MeSH D030342.
Achromatopsia. Also called: Rod monochromatism. Identifiers: Orphanet 49382, MedGen C0152200, MONDO:0018852, HP:0011516.

Allele frequency attached by ClinVar (database versions not stated): ExAC 0.00003; gnomAD exomes 0.00003 and 0.00006; gnomAD 0.00006; ESP Exome Variant Server 0.00008; TOPMed 0.00009.
gnomAD v4.1: 90 of 1,613,840 alleles (0.0056%); highest among the groups gnomAD compares: Middle Eastern, 0.033%; no homozygotes.

Submissions (4):

Ambry Genetics
Classification: Uncertain significance for Inborn genetic diseases. Last evaluated: 2024-10-29. Review status: criteria provided, single submitter. Criteria: Ambry Variant Classification Scheme 2023. Collection method: clinical testing. Allele origin: germline.

Blueprint Genetics
Classification: Uncertain significance. Last evaluated: 2024-08-27. Review status: criteria provided, single submitter. Criteria: ACMG Guidelines, 2015. Collection method: clinical testing. Allele origin: germline.

Labcorp Genetics (formerly Invitae), Labcorp
Classification: Uncertain significance. Last evaluated: 2022-08-19. Review status: criteria provided, single submitter. Criteria: Invitae Variant Classification Sherloc (09022015). Collection method: clinical testing. Allele origin: germline.
Comment: This sequence change replaces glutamine, which is neutral and polar, with lysine, which is basic and polar, at codon 39 of the CNGB3 protein (p.Gln39Lys). This variant is present in population databases (rs375530321, gnomAD 0.008%). This variant has not been reported in the literature in individuals affected with CNGB3-related conditions. ClinVar contains an entry for this variant (Variation ID: 965098). Advanced modeling of protein sequence and biophysical properties (such as structural, functional, and spatial information, amino acid conservation, physicochemical variation, residue mobility, and thermodynamic stability) performed at Invitae indicates that this missense variant is not expected to disrupt CNGB3 protein function. In summary, the available evidence is currently insufficient to determine the role of this variant in disease. Therefore, it has been classified as a Variant of Uncertain Significance.

Natera, Inc.
Classification: Uncertain significance for Achromatopsia. Last evaluated: 2020-02-03. Review status: no assertion criteria provided. Collection method: clinical testing. Allele origin: germline. Not counted in ClinVar's aggregate classification.